The following is an entry in ClinVar:

NM_001130965.3(SUN1):c.170G>A (p.Arg57His)

Gene: SUN1 (Sad1 and UNC84 domain containing 1; plus strand). Cytogenetic location: 7p22.3.
Variant type: single nucleotide variant.
Coding change: c.170G>A on transcript NM_001130965.3 (MANE Select); coding-DNA position 170, G replaced by A.
Protein change: p.Arg57His; replaces arginine 57 with histidine.
Molecular consequence: missense variant. On other transcripts: 5 prime UTR variant (2), non-coding transcript variant (3), intron variant (2).
Genome position (GRCh38, 1-based): chr7:838,890, G>A. VCF-style: chr7-838890-G-A. GRCh37 (hg19) VCF-style: chr7-878527-G-A.
Other names: c.170G>A, p.Arg57His (NM_001171944.2, NM_001171946.2, NM_001367633.1 and 34 more transcripts); c.233G>A, p.Arg78His (NM_001171945.2); c.-288G>A (NM_001367635.1); c.20G>A, p.Arg7His (NM_001367636.1, NM_001367637.1, NM_001367644.1 and 25 more transcripts); c.389G>A, p.Arg130His (NM_001367651.1); c.-592G>A (NM_001367658.1); c.78-3056G>A (NM_001367695.1); c.-301-3056G>A (NM_001367639.1); short protein forms R130H, R78H, R57H, R7H.
Identifiers: ClinVar variation 2079334 (VCV002079334.4), dbSNP rs770554143, ClinGen allele CA4111401.

ClinVar aggregate classification (germline): Uncertain significance (1 of 4 stars; one submission).

Conditions:
Emery-Dreifuss muscular dystrophy (EDMD). Also called: Scapuloperoneal syndrome, X-linked (formerly); Humeroperoneal neuromuscular disease, (formerly). Identifiers: Orphanet 261, MedGen C0410189, MONDO:0016830.

Allele frequency attached by ClinVar (database versions not stated): gnomAD 0.00002; gnomAD exomes 0.00003; TOPMed 0.00004; ExAC 0.00009.

Submission:

Labcorp Genetics (formerly Invitae), Labcorp
Classification: Uncertain significance for Emery-Dreifuss muscular dystrophy. Last evaluated: 2025-01-27. Review status: criteria provided, single submitter. Criteria: Invitae Variant Classification Sherloc (09022015). Collection method: clinical testing. Allele origin: germline.
Comment: This sequence change replaces arginine, which is basic and polar, with histidine, which is basic and polar, at codon 57 of the SUN1 protein (p.Arg57His). This variant is present in population databases (rs770554143, gnomAD 0.006%). This variant has not been reported in the literature in individuals affected with SUN1-related conditions. ClinVar contains an entry for this variant (Variation ID: 2079334). An algorithm developed to predict the effect of missense changes on protein structure and function (PolyPhen-2) suggests that this variant is likely to be disruptive. In summary, the available evidence is currently insufficient to determine the role of this variant in disease. Therefore, it has been classified as a Variant of Uncertain Significance.